The following is an entry in ClinVar:

NM_001291303.3(FAT4):c.4394G>A (p.Arg1465Lys)

Gene: FAT4 (FAT atypical cadherin 4; plus strand). Cytogenetic location: 4q28.1.
Variant type: single nucleotide variant.
Coding change: c.4394G>A on transcript NM_001291303.3 (MANE Select); coding-DNA position 4394, G replaced by A.
Protein change: p.Arg1465Lys; replaces arginine 1465 with lysine.
Molecular consequence: missense variant.
Genome position (GRCh38, 1-based): chr4:125,320,805, G>A. VCF-style: chr4-125320805-G-A. GRCh37 (hg19) VCF-style: chr4-126241960-G-A.
Other names: c.4394G>A, p.Arg1465Lys (NM_001291285.3, NM_024582.6); short protein forms R1465K.
Identifiers: ClinVar variation 1513890 (VCV001513890.8), dbSNP rs776002583, ClinGen allele CA3072458.
Genomic context (GRCh38, chr4:125,320,805, plus strand): 5'-ATGACCCTGATGCAGACATTAATGGTCAACTATCCTACACAATCATTCAACAGATGCCAA[G>A]AGGCAACCACTTTACCATAGATGAAGTCAAAGGGACTATATATACTAATGCTGAAATAGA-3'
Protein context (NP_001278232.1, residues 1455-1475): LSYTIIQQMP[Arg1465Lys]GNHFTIDEVK

ClinVar aggregate classification (germline): Uncertain significance (1 of 4 stars; one submission).

Allele frequency attached by ClinVar (database versions not stated): TOPMed below 0.00001; gnomAD exomes 0.00001 and 0.00002; ExAC 0.00003.
gnomAD v4.1: 6 of 1,614,086 alleles (0.00037%); highest among the groups gnomAD compares: Non-Finnish European, 0.00051%; no homozygotes.

Submission:

Labcorp Genetics (formerly Invitae), Labcorp
Classification: Uncertain significance. Last evaluated: 2022-05-03. Review status: criteria provided, single submitter. Criteria: Invitae Variant Classification Sherloc (09022015). Collection method: clinical testing. Allele origin: germline.
Comment: Advanced modeling of protein sequence and biophysical properties (such as structural, functional, and spatial information, amino acid conservation, physicochemical variation, residue mobility, and thermodynamic stability) performed at Invitae indicates that this missense variant is not expected to disrupt FAT4 protein function. In summary, the available evidence is currently insufficient to determine the role of this variant in disease. Therefore, it has been classified as a Variant of Uncertain Significance. This variant is present in population databases (rs776002583, gnomAD 0.004%). This sequence change replaces arginine, which is basic and polar, with lysine, which is basic and polar, at codon 1465 of the FAT4 protein (p.Arg1465Lys). This variant has not been reported in the literature in individuals affected with FAT4-related conditions.